The following is an entry in ClinVar:

NM_001018111.3(PODXL):c.1185C>A (p.Cys395Ter)

Gene: PODXL (podocalyxin like; minus strand). Cytogenetic location: 7q32.3.
Variant type: single nucleotide variant.
Coding change: c.1185C>A on transcript NM_001018111.3 (MANE Select); coding-DNA position 1185, C replaced by A.
Protein change: p.Cys395Ter; replaces cysteine 395 with a stop codon.
Molecular consequence: nonsense.
Genome position (GRCh38, 1-based): chr7:131,506,643, G>T on the plus strand (C>A on the coding strand, the complement: PODXL is on the minus strand). VCF-style: chr7-131506643-G-T. GRCh37 (hg19) VCF-style: chr7-131191402-G-T.
Other names: c.1089C>A, p.Cys363Ter (NM_005397.4); short protein forms C363*, C395*.
Identifiers: ClinVar variation 2026207 (VCV002026207.4), dbSNP rs748107948, ClinGen allele CA369299826.

ClinVar aggregate classification (germline): Pathogenic (1 of 4 stars; one submission).

Submission:

Labcorp Genetics (formerly Invitae), Labcorp
Classification: Pathogenic. Last evaluated: 2024-02-24. Review status: criteria provided, single submitter. Criteria: Invitae Variant Classification Sherloc (09022015). Collection method: clinical testing. Allele origin: germline.
Comment: This sequence change creates a premature translational stop signal (p.Cys363*) in the PODXL gene. It is expected to result in an absent or disrupted protein product. Loss-of-function variants in PODXL are known to be pathogenic (PMID: 30523047). This variant is not present in population databases (gnomAD no frequency). This variant has not been reported in the literature in individuals affected with PODXL-related conditions. ClinVar contains an entry for this variant (Variation ID: 2026207). For these reasons, this variant has been classified as Pathogenic.

Literature cited by the submitters: PubMed 30523047.